The following is an entry in ClinVar:

ClinVar aggregate classification (germline): Benign (1 of 4 stars; one submission).

Conditions:
Pancreatic cancer, susceptibility to, 1. Identifiers: Orphanet 1333, MedGen C1847351, MONDO:0011739, OMIM 606856.

Allele frequency attached by ClinVar (database versions not stated): gnomAD exomes 0.00213; gnomAD 0.01147 and 0.01238; 1000 Genomes Project 30x 0.01187; 1000 Genomes Project 0.01198; TOPMed 0.01309.
gnomAD v4.1: 1,924 of 232,568 alleles (0.83%); highest among the groups gnomAD compares: African/African-American, 3.9%; 51 homozygotes.

Submission:

Illumina Laboratory Services, Illumina
Classification: Benign for Pancreatic cancer, susceptibility to, 1. Last evaluated: 2018-01-12. Review status: criteria provided, single submitter. Criteria: ICSL Variant Classification Criteria 13 December 2019. Collection method: clinical testing. Allele origin: germline.
Comment: This variant was observed in the ICSL laboratory as part of a predisposition screen in an ostensibly healthy population. It had not been previously curated by ICSL or reported in the Human Gene Mutation Database (HGMD: prior to June 1st, 2018), and was therefore a candidate for classification through an automated scoring system. Utilizing variant allele frequency, disease prevalence and penetrance estimates, and inheritance mode, an automated score was calculated to assess if this variant is too frequent to cause the disease. Based on the score and internal cut-off values, a variant classified as benign is not then subjected to further curation. The score for this variant resulted in a classification of benign for this disease.

NM_001166108.2(PALLD):c.*1164T>G

Genes: CBR4 (carbonyl reductase 4; minus strand), PALLD (palladin, cytoskeletal associated protein; plus strand). Cytogenetic location: 4q32.3.
Variant type: single nucleotide variant.
Coding change: c.*1164T>G on transcript NM_001166108.2 (MANE Select); 1164 bases downstream of the stop codon, T replaced by G.
Molecular consequence: 3 prime UTR variant.
Genome position (GRCh38, 1-based): chr4:168,927,344, T>G. VCF-style: chr4-168927344-T-G. GRCh37 (hg19) VCF-style: chr4-169848495-T-G.
Other names: c.*959T>G (NM_001166109.2, NM_001166110.2, NM_001367568.1 and 1 more transcripts); c.*1164T>G (NM_001367567.1, NM_001367570.1, NM_016081.4).
Identifiers: ClinVar variation 348059 (VCV000348059.5), dbSNP rs114351964, ClinGen allele CA10620425.